The following is an entry in ClinVar:

NM_002691.4(POLD1):c.1057C>A (p.Leu353Met)

Gene: POLD1 (DNA polymerase delta 1, catalytic subunit; plus strand). Cytogenetic location: 19q13.33.
Variant type: single nucleotide variant.
Coding change: c.1057C>A on transcript NM_002691.4 (MANE Select); coding-DNA position 1057, C replaced by A.
Protein change: p.Leu353Met; replaces leucine 353 with methionine.
Molecular consequence: missense variant. On other transcripts: non-coding transcript variant (1).
Genome position (GRCh38, 1-based): chr19:50,403,139, C>A. VCF-style: chr19-50403139-C-A. GRCh37 (hg19) VCF-style: chr19-50906396-C-A.
Other names: c.1057C>A, p.Leu353Met (NM_001256849.1, NM_001308632.1); short protein forms L353M.
Identifiers: ClinVar variation 1778909 (VCV001778909.5), dbSNP rs1601204455, ClinGen allele CA406978191.

ClinVar aggregate classification (germline): Uncertain significance. Review status: criteria provided, multiple submitters, no conflicts (2 of 4 stars). 2 submissions from 2 submitters: Uncertain significance (2). Last evaluated 2023-12-01.

Conditions:
Hereditary cancer-predisposing syndrome. Also called: Neoplastic Syndromes, Hereditary; Tumor predisposition; Hereditary neoplastic syndrome; Hereditary Cancer Syndrome. Identifiers: Orphanet 140162, MedGen C0027672, MeSH D009386, MONDO:0015356.
POLD1-related polyposis and colorectal cancer syndrome (CRCS10). Also called: COLORECTAL CANCER, SUSCEPTIBILITY TO, ON CHROMOSOME 19q; Colorectal cancer 10; Colorectal cancer, susceptibility to, 10. Identifiers: Orphanet 220460, MedGen C2675481, MONDO:0012953, OMIM 612591.

Submissions (2):

Labcorp Genetics (formerly Invitae), Labcorp
Classification: Uncertain significance for POLD1-related polyposis and colorectal cancer syndrome. Last evaluated: 2023-12-01. Review status: criteria provided, single submitter. Criteria: Invitae Variant Classification Sherloc (09022015). Collection method: clinical testing. Allele origin: germline.
Comment: This sequence change replaces leucine, which is neutral and non-polar, with methionine, which is neutral and non-polar, at codon 353 of the POLD1 protein (p.Leu353Met). This variant is not present in population databases (gnomAD no frequency). This variant has not been reported in the literature in individuals affected with POLD1-related conditions. ClinVar contains an entry for this variant (Variation ID: 1778909). Advanced modeling of protein sequence and biophysical properties (such as structural, functional, and spatial information, amino acid conservation, physicochemical variation, residue mobility, and thermodynamic stability) performed at Invitae indicates that this missense variant is not expected to disrupt POLD1 protein function with a negative predictive value of 80%. In summary, the available evidence is currently insufficient to determine the role of this variant in disease. Therefore, it has been classified as a Variant of Uncertain Significance.

Ambry Genetics
Classification: Uncertain significance for Hereditary cancer-predisposing syndrome. Last evaluated: 2021-04-19. Review status: criteria provided, single submitter. Criteria: Ambry Variant Classification Scheme 2023. Collection method: clinical testing. Allele origin: germline.
Comment: The p.L353M variant (also known as c.1057C>A), located in coding exon 8 of the POLD1 gene, results from a C to A substitution at nucleotide position 1057. The leucine at codon 353 is replaced by methionine, an amino acid with highly similar properties. This amino acid position is not well conserved in available vertebrate species. In addition, this alteration is predicted to be tolerated by in silico analysis. Since supporting evidence is limited at this time, the clinical significance of this alteration remains unclear.